The following is an entry in ClinVar:

ClinVar aggregate classification (germline): Uncertain significance. Review status: reviewed by expert panel (3 of 4 stars). 3 submissions from 3 submitters: Uncertain significance (1). 2 of the submissions do not count toward it. Last evaluated 2024-07-11.

Conditions:
Hereditary thrombocytopenia and hematologic cancer predisposition syndrome. Identifiers: Orphanet 71290, MedGen CN281654, MONDO:0011071.
Hereditary thrombocytopenia and hematological cancer predisposition syndrome associated with RUNX1. Also called: PLATELET DISORDER, ASPIRIN-LIKE; RUNX1 Familial Platelet Disorder with Associated Myeloid Malignancies; Familial Platelet Disorder with Propensity to Acute Myelogenous Leukemia; Familial thrombocytopenia with propensity to acute myelogenous leukemia. Identifiers: Orphanet 71290, MedGen C1832388, MeSH C563324, MONDO:0100083, OMIM 601399.
Inborn genetic diseases. Identifiers: MedGen C0950123, MeSH D030342.

gnomAD v4.1: 2 of 1,601,510 alleles (0.00012%); highest among the groups gnomAD compares: Non-Finnish European, 0.00017%; no homozygotes.

Submissions (3):

ClinGen Myeloid Malignancy Variant Curation Expert Panel
Classification: Uncertain significance for Hereditary thrombocytopenia and hematologic cancer predisposition syndrome. Last evaluated: 2024-07-11. Review status: reviewed by expert panel. Criteria: ClinGen MyeloMalig ACMG Specifications v2. Collection method: curation. Allele origin: germline. Inheritance: Autosomal dominant inheritance.
Comment: NM_001754.5(RUNX1): c.160G>C (p.Glu54Gln) is a missense variant which does not meet any ACMG/AMP criteria. In summary, the clinical significance of this variant is uncertain. ACMG/AMP criteria applied, as specified by the Myeloid Malignancy Variant Curation Expert Panel for RUNX1: None

Ambry Genetics
Classification: Uncertain significance for Inborn genetic diseases. Last evaluated: 2025-01-13. Review status: criteria provided, single submitter. Criteria: Ambry Variant Classification Scheme 2023. Collection method: clinical testing. Allele origin: germline. Not counted in ClinVar's aggregate classification.
Comment: The p.E54Q variant (also known as c.160G>C), located in coding exon 3 of the RUNX1 gene, results from a G to C substitution at nucleotide position 160. The glutamic acid at codon 54 is replaced by glutamine, an amino acid with highly similar properties. This amino acid position is well conserved in available vertebrate species. In addition, the in silico prediction for this alteration is inconclusive. Based on the available evidence, the clinical significance of this variant remains unclear.

Labcorp Genetics (formerly Invitae), Labcorp
Classification: Uncertain significance for Hereditary thrombocytopenia and hematological cancer predisposition syndrome associated with RUNX1. Last evaluated: 2024-05-06. Review status: criteria provided, single submitter. Criteria: Invitae Variant Classification Sherloc (09022015). Collection method: clinical testing. Allele origin: germline. Not counted in ClinVar's aggregate classification.
Comment: This sequence change replaces glutamic acid, which is acidic and polar, with glutamine, which is neutral and polar, at codon 54 of the RUNX1 protein (p.Glu54Gln). This variant is not present in population databases (gnomAD no frequency). This variant has not been reported in the literature in individuals affected with RUNX1-related conditions. ClinVar contains an entry for this variant (Variation ID: 1352428). Advanced modeling of protein sequence and biophysical properties (such as structural, functional, and spatial information, amino acid conservation, physicochemical variation, residue mobility, and thermodynamic stability) has been performed at Invitae for this missense variant, however the output from this modeling did not meet the statistical confidence thresholds required to predict the impact of this variant on RUNX1 protein function. In summary, the available evidence is currently insufficient to determine the role of this variant in disease. Therefore, it has been classified as a Variant of Uncertain Significance.

NM_001754.5(RUNX1):c.160G>C (p.Glu54Gln)

Gene: RUNX1 (RUNX family transcription factor 1; minus strand). Cytogenetic location: 21q22.12.
Variant type: single nucleotide variant.
Coding change: c.160G>C on transcript NM_001754.5 (MANE Select); coding-DNA position 160, G replaced by C.
Protein change: p.Glu54Gln; replaces glutamic acid 54 with glutamine.
Molecular consequence: missense variant.
Genome position (GRCh38, 1-based): chr21:34,887,034, C>G on the plus strand (G>C on the coding strand, the complement: RUNX1 is on the minus strand). VCF-style: chr21-34887034-C-G. GRCh37 (hg19) VCF-style: chr21-36259331-C-G.
Other names: NM_001754.5(RUNX1):c.160G>C; p.Glu54Gln; c.160G>C (NM_001754.4); c.79G>C, p.Glu27Gln (NM_001001890.3, NM_001122607.2); short protein forms E54Q, E27Q.
Identifiers: ClinVar variation 1352428 (VCV001352428.10), dbSNP rs2146413491, ClinGen allele CA410204074.